The following is an entry in ClinVar:

ClinVar aggregate classification (germline): Conflicting classifications of pathogenicity. Review status: criteria provided, conflicting classifications (1 of 4 stars). 5 submissions from 4 submitters: Uncertain significance (4); Likely benign (1). Last evaluated 2025-06-09.

Conditions:
Cardiovascular phenotype. Identifiers: MedGen CN230736.
Hereditary cancer-predisposing syndrome. Also called: Hereditary Cancer Syndrome; Neoplastic Syndromes, Hereditary; Tumor predisposition; Hereditary neoplastic syndrome. Identifiers: Orphanet 140162, MedGen C0027672, MeSH D009386, MONDO:0015356.
Neurofibromatosis, type 1 (NF1). Also called: Neurofibromatosis, type I; VON RECKLINGHAUSEN DISEASE; NEUROFIBROMATOSIS, TYPE I, SOMATIC; Peripheral type neurofibromatosis. Identifiers: Orphanet 636, MedGen C0027831, MONDO:0018975, OMIM 162200. Disease mechanism: loss of function.

Submissions (5):

Labcorp Genetics (formerly Invitae), Labcorp
Classification: Likely benign for Neurofibromatosis, type 1. Last evaluated: 2025-06-09. Review status: criteria provided, single submitter. Criteria: Invitae Variant Classification Sherloc (09022015). Collection method: clinical testing. Allele origin: germline.

Ambry Genetics
Classification: Uncertain significance for Cardiovascular phenotype; Hereditary cancer-predisposing syndrome. Last evaluated: 2025-01-27. Review status: criteria provided, single submitter. Criteria: Ambry Variant Classification Scheme 2023. Collection method: clinical testing. Allele origin: germline.

GeneDx
Classification: Uncertain significance. Last evaluated: 2024-10-09. Review status: criteria provided, single submitter. Criteria: GeneDx Variant Classification Process June 2021. Collection method: clinical testing. Allele origin: germline. Affected: yes.
Comment: Not observed at significant frequency in large population cohorts (gnomAD); In silico analysis indicates that this missense variant does not alter protein structure/function; Has not been previously published as pathogenic or benign to our knowledge; This variant is associated with the following publications: (PMID: 25486365)

Genome-Nilou Lab
Classification: Uncertain significance for Neurofibromatosis, type 1. Last evaluated: 2022-03-15. Review status: criteria provided, single submitter. Criteria: ACMG Guidelines, 2015. Collection method: clinical testing. Allele origin: germline. Affected: no.

Ambry Genetics
Classification: Uncertain significance for Hereditary cancer-predisposing syndrome. Last evaluated: 2015-01-02. Review status: criteria provided, single submitter. Criteria: Ambry Autosomal Dominant and X-Linked criteria (10/2015). Collection method: clinical testing. Allele origin: germline. Observed: 1 variant allele.
Comment: The p.A706T variant (also known as c.2116G>A), located in coding exon 18 of the NF1 gene, results from a G to A substitution at nucleotide position 2116. The alanine at codon 706 is replaced by threonine, an amino acid with similar properties. This variant was not reported in population based cohorts in the following databases: Database of Single Nucleotide Polymorphisms (dbSNP), NHLBI Exome Sequencing Project (ESP), and 1000 Genomes Project. In the ESP, this variant was not observed in 6500 samples (13000 alleles) with coverage at this position. To date, this alteration has been detected with an allele frequency of approximately 0.003% (greater than 30000alleles tested) in our clinical cohort. This amino acid position is highly conserved in available vertebrate species. In addition, this alteration is predicted to be benign by PolyPhen butdeleterious bySIFT in silico analyses, respectively. Since supporting evidence is limited at this time, the clinical significance of p.A706T remains unclear.

NM_001042492.3(NF1):c.2116G>A (p.Ala706Thr)

Gene: NF1 (neurofibromin 1; plus strand). Cytogenetic location: 17q11.2.
Variant type: single nucleotide variant.
Coding change: c.2116G>A on transcript NM_001042492.3 (MANE Select); coding-DNA position 2116, G replaced by A.
Protein change: p.Ala706Thr; replaces alanine 706 with threonine.
Molecular consequence: missense variant.
Genome position (GRCh38, 1-based): chr17:31,226,549, G>A. VCF-style: chr17-31226549-G-A. GRCh37 (hg19) VCF-style: chr17-29553567-G-A.
Other names: c.2116G>A, p.Ala706Thr (NM_000267.4); short protein forms A706T.
Identifiers: ClinVar variation 229841 (VCV000229841.14), dbSNP rs876658232, ClinGen allele CA10580244.
Genomic context (GRCh38, chr17:31,226,549, plus strand): 5'-AAACTAGAAGTGGCCCTGTACATGTTTCTGTGGAACCCTGACACTGAAGCTGTTCTGGTT[G>A]CCATGTCCTGTTTCCGCCACCTCTGTGAGGAAGCAGATATCCGGTGTGGGGTGGATGAAG-3'
Protein context (NP_001035957.1, residues 696-716): WNPDTEAVLV[Ala706Thr]MSCFRHLCEE